The following is an entry in ClinVar:

ClinVar aggregate classification (germline): Uncertain significance (1 of 4 stars; one submission).

Conditions:
Immunodeficiency 104. Also called: Severe combined immunodeficiency, autosomal recessive, T cell-negative, B cell-positive, NK cell-positive; SCID, AUTOSOMAL RECESSIVE, T CELL-NEGATIVE, B CELL-POSITIVE, NK CELL-POSITIVE; IMMUNODEFICIENCY 104, SEVERE COMBINED; Severe Combined Immune Deficiency, Autosomal Recessive, TCell -Negative, B Cell-Positive, NK Cell-Positive, IL7R-Related. Identifiers: MedGen C5676890, MONDO:0012163, OMIM 608971.

Allele frequency attached by ClinVar (database versions not stated): gnomAD exomes below 0.00001; ExAC 0.00001.
gnomAD v4.1: 1 of 1,612,262 alleles (0.000062%); highest among the groups gnomAD compares: Non-Finnish European, 0.000085%; no homozygotes.

Submission:

Labcorp Genetics (formerly Invitae), Labcorp
Classification: Uncertain significance for Immunodeficiency 104. Last evaluated: 2023-10-13. Review status: criteria provided, single submitter. Criteria: Invitae Variant Classification Sherloc (09022015). Collection method: clinical testing. Allele origin: germline.
Comment: This sequence change replaces alanine, which is neutral and non-polar, with valine, which is neutral and non-polar, at codon 875 of the PTPRC protein (p.Ala875Val). This variant is present in population databases (rs775435143, gnomAD 0.0009%). This variant has not been reported in the literature in individuals affected with PTPRC-related conditions. ClinVar contains an entry for this variant (Variation ID: 846640). An algorithm developed to predict the effect of missense changes on protein structure and function (PolyPhen-2) suggests that this variant is likely to be disruptive. In summary, the available evidence is currently insufficient to determine the role of this variant in disease. Therefore, it has been classified as a Variant of Uncertain Significance.

NM_002838.5(PTPRC):c.2624C>T (p.Ala875Val)

Gene: PTPRC (protein tyrosine phosphatase receptor type C; plus strand). Cytogenetic location: 1q32.1.
Variant type: single nucleotide variant.
Coding change: c.2624C>T on transcript NM_002838.5 (MANE Select); coding-DNA position 2624, C replaced by T.
Protein change: p.Ala875Val; replaces alanine 875 with valine.
Molecular consequence: missense variant.
Genome position (GRCh38, 1-based): chr1:198,742,294, C>T. VCF-style: chr1-198742294-C-T. GRCh37 (hg19) VCF-style: chr1-198711423-C-T.
Other names: c.2141C>T, p.Ala714Val (NM_080921.4); short protein forms A875V, A714V.
Identifiers: ClinVar variation 846640 (VCV000846640.10), dbSNP rs775435143, ClinGen allele CA1315192.